The following is an entry in ClinVar:

ClinVar aggregate classification (germline): Benign (1 of 4 stars; one submission).

Conditions:
Landau-Kleffner syndrome (FESD). Also called: EPILEPSY, FOCAL, WITH SPEECH DISORDER AND WITH OR WITHOUT MENTAL RETARDATION; APHASIA, ACQUIRED, WITH EPILEPSY. Identifiers: Orphanet 1945, Orphanet 725, Orphanet 98818, MedGen C0282512, MONDO:0009509, OMIM 245570.

Allele frequency attached by ClinVar (database versions not stated): gnomAD exomes 0.00084; TOPMed 0.00529; 1000 Genomes Project 0.00419; gnomAD 0.00449 and 0.00502; 1000 Genomes Project 30x 0.00562.
gnomAD v4.1: 723 of 223,804 alleles (0.32%); highest among the groups gnomAD compares: African/African-American, 1.5%; 4 homozygotes.

Submission:

Illumina Laboratory Services, Illumina
Classification: Benign for Landau-Kleffner syndrome. Last evaluated: 2018-01-12. Review status: criteria provided, single submitter. Criteria: ICSL Variant Classification Criteria 13 December 2019. Collection method: clinical testing. Allele origin: germline.
Comment: This variant was observed in the ICSL laboratory as part of a predisposition screen in an ostensibly healthy population. It had not been previously curated by ICSL or reported in the Human Gene Mutation Database (HGMD: prior to June 1st, 2018), and was therefore a candidate for classification through an automated scoring system. Utilizing variant allele frequency, disease prevalence and penetrance estimates, and inheritance mode, an automated score was calculated to assess if this variant is too frequent to cause the disease. Based on the score and internal cut-off values, a variant classified as benign is not then subjected to further curation. The score for this variant resulted in a classification of benign for this disease.

NM_001134407.3(GRIN2A):c.*5733C>T

Gene: GRIN2A (glutamate ionotropic receptor NMDA type subunit 2A; minus strand). Cytogenetic location: 16p13.2.
Variant type: single nucleotide variant.
Coding change: c.*5733C>T on transcript NM_001134407.3 (MANE Select); 5733 bases downstream of the stop codon, C replaced by T.
Molecular consequence: 3 prime UTR variant.
Genome position (GRCh38, 1-based): chr16:9,757,416, G>A on the plus strand (C>T on the coding strand, the complement: GRIN2A is on the minus strand). VCF-style: chr16-9757416-G-A. GRCh37 (hg19) VCF-style: chr16-9851273-G-A.
Other names: c.*5733C>T (NM_000833.5); c.*5939C>T (NM_001134408.2).
Identifiers: ClinVar variation 321526 (VCV000321526.5), dbSNP rs574207711, ClinGen allele CA10649412.